The following is an entry in ClinVar:

ClinVar aggregate classification (germline): Uncertain significance. Review status: criteria provided, single submitter (1 of 4 stars). 2 submissions from 2 submitters: Uncertain significance (1). 1 of the submissions does not count toward it. Last evaluated 2022-05-25.

Conditions:
Usher syndrome type 1F (USH1F). Also called: USHER SYNDROME, TYPE IF. Identifiers: Orphanet 231169, Orphanet 886, MedGen C1865885, MONDO:0011186, OMIM 602083.

Allele frequency attached by ClinVar (database versions not stated): gnomAD exomes below 0.00001.
gnomAD v4.1: 1 of 1,613,748 alleles (0.000062%); highest among the groups gnomAD compares: Admixed American, 0.0017%; no homozygotes.

Submissions (2):

Labcorp Genetics (formerly Invitae), Labcorp
Classification: Uncertain significance. Last evaluated: 2022-05-25. Review status: criteria provided, single submitter. Criteria: Invitae Variant Classification Sherloc (09022015). Collection method: clinical testing. Allele origin: germline.
Comment: This sequence change replaces alanine, which is neutral and non-polar, with threonine, which is neutral and polar, at codon 284 of the PCDH15 protein (p.Ala284Thr). This variant is present in population databases (rs748459627, gnomAD 0.003%). This variant has not been reported in the literature in individuals affected with PCDH15-related conditions. Algorithms developed to predict the effect of missense changes on protein structure and function are either unavailable or do not agree on the potential impact of this missense change (SIFT: "Tolerated"; PolyPhen-2: "Possibly Damaging"; Align-GVGD: "Class C0"). In summary, the available evidence is currently insufficient to determine the role of this variant in disease. Therefore, it has been classified as a Variant of Uncertain Significance.

Natera, Inc.
Classification: Uncertain significance for Usher syndrome type 1F. Last evaluated: 2025-03-24. Review status: no assertion criteria provided. Collection method: clinical testing. Allele origin: germline. Not counted in ClinVar's aggregate classification.

NM_001384140.1(PCDH15):c.850G>A (p.Ala284Thr)

Gene: PCDH15 (protocadherin related 15; minus strand). Cytogenetic location: 10q21.1.
Variant type: single nucleotide variant.
Coding change: c.850G>A on transcript NM_001384140.1 (MANE Select); coding-DNA position 850, G replaced by A.
Protein change: p.Ala284Thr; replaces alanine 284 with threonine.
Molecular consequence: missense variant.
Genome position (GRCh38, 1-based): chr10:54,317,297, C>T on the plus strand (G>A on the coding strand, the complement: PCDH15 is on the minus strand). VCF-style: chr10-54317297-C-T. GRCh37 (hg19) VCF-style: chr10-56077057-C-T.
Other names: c.865G>A, p.Ala289Thr (NM_001142763.2, NM_001142769.4, NM_001142771.2); c.850G>A, p.Ala284Thr (NM_001142764.2, NM_001142765.2, NM_001142766.2 and 7 more transcripts); c.739G>A, p.Ala247Thr (NM_001142767.2); c.784G>A, p.Ala262Thr (NM_001142768.2, NM_001142773.2, NM_001354404.2); short protein forms A262T, A284T, A289T, A247T.
Identifiers: ClinVar variation 1906152 (VCV001906152.3), dbSNP rs748459627, ClinGen allele CA5506581.